The following is an entry in ClinVar:

ClinVar aggregate classification (germline): Uncertain significance (1 of 4 stars; one submission).

Allele frequency attached by ClinVar (database versions not stated): gnomAD exomes 0.00001; TOPMed 0.00001; gnomAD 0.00003.
gnomAD v4.1: 12 of 1,550,478 alleles (0.00077%); highest among the groups gnomAD compares: African/African-American, 0.0027%; no homozygotes.

Submission:

Labcorp Genetics (formerly Invitae), Labcorp
Classification: Uncertain significance. Last evaluated: 2023-05-22. Review status: criteria provided, single submitter. Criteria: Invitae Variant Classification Sherloc (09022015). Collection method: clinical testing. Allele origin: germline.
Comment: This sequence change replaces arginine, which is basic and polar, with histidine, which is basic and polar, at codon 2294 of the OTOG protein (p.Arg2294His). This variant is present in population databases (no rsID available, gnomAD 0.004%). This variant has not been reported in the literature in individuals affected with OTOG-related conditions. ClinVar contains an entry for this variant (Variation ID: 1503718). An algorithm developed to predict the effect of missense changes on protein structure and function (PolyPhen-2) suggests that this variant is likely to be disruptive. In summary, the available evidence is currently insufficient to determine the role of this variant in disease. Therefore, it has been classified as a Variant of Uncertain Significance.

NM_001292063.2(OTOG):c.6845G>A (p.Arg2282His)

Gene: OTOG (otogelin; plus strand). Cytogenetic location: 11p15.1.
Variant type: single nucleotide variant.
Coding change: c.6845G>A on transcript NM_001292063.2 (MANE Select); coding-DNA position 6845, G replaced by A.
Protein change: p.Arg2282His; replaces arginine 2282 with histidine.
Molecular consequence: missense variant.
Genome position (GRCh38, 1-based): chr11:17,631,834, G>A. VCF-style: chr11-17631834-G-A. GRCh37 (hg19) VCF-style: chr11-17653381-G-A.
Other names: c.6881G>A, p.Arg2294His (NM_001277269.2); short protein forms R2282H, R2294H.
Identifiers: ClinVar variation 1503718 (VCV001503718.6), dbSNP rs867257104, ClinGen allele CA218495890.